The following is an entry in ClinVar:

NM_020394.5(ZNF695):c.468T>G (p.Phe156Leu)

Genes: ZNF670-ZNF695 (ZNF670-ZNF695 readthrough (NMD candidate); minus strand), ZNF695 (zinc finger protein 695; minus strand). Cytogenetic location: 1q44.
Variant type: single nucleotide variant.
Coding change: c.468T>G on transcript NM_020394.5 (MANE Select); coding-DNA position 468, T replaced by G.
Protein change: p.Phe156Leu; replaces phenylalanine 156 with leucine.
Molecular consequence: missense variant. On other transcripts: intron variant (1).
Genome position (GRCh38, 1-based): chr1:246,988,047, A>C on the plus strand (T>G on the coding strand, the complement: ZNF695 is on the minus strand). VCF-style: chr1-246988047-A-C. GRCh37 (hg19) VCF-style: chr1-247151349-A-C.
Other names: c.390+78T>G (NM_001204221.2); short protein forms F156L.
Identifiers: ClinVar variation 2354146 (VCV002354146.4), dbSNP rs377108972, ClinGen allele CA1492905.

ClinVar aggregate classification (germline): Uncertain significance (1 of 4 stars; one submission).

Allele frequency attached by ClinVar (database versions not stated): TOPMed 0.00019; ExAC 0.00011; ESP Exome Variant Server 0.00017; gnomAD 0.00012.
gnomAD v4.1: 144 of 1,602,556 alleles (0.009%); highest among the groups gnomAD compares: Middle Eastern, 0.083%; 1 homozygote.

Submission:

Ambry Genetics
Classification: Uncertain significance. Last evaluated: 2026-08-23. Review status: criteria provided, single submitter. Criteria: Ambry Variant Classification Scheme 2023. Collection method: clinical testing. Allele origin: germline.
Comment: The c.468T>G (p.F156L) alteration is located in exon 4 (coding exon 4) of the ZNF695 gene. This alteration results from a T to G substitution at nucleotide position 468, causing the phenylalanine (F) at amino acid position 156 to be replaced by a leucine (L). Based on data from gnomAD, the G allele has an overall frequency of 0.011% (29/269188) total alleles studied. The highest observed frequency was 0.073% (5/6836) of Other alleles. Based on insufficient or conflicting evidence, the clinical significance of this alteration remains unclear.